The following is an entry in ClinVar:

NM_007294.4(BRCA1):c.619A>G (p.Ile207Val)

Gene: BRCA1 (BRCA1 DNA repair associated; minus strand). Cytogenetic location: 17q21.31.
Variant type: single nucleotide variant.
Coding change: c.619A>G on transcript NM_007294.4 (MANE Select); coding-DNA position 619, A replaced by G.
Protein change: p.Ile207Val; replaces isoleucine 207 with valine.
Molecular consequence: missense variant. On other transcripts: non-coding transcript variant (1).
Genome position (GRCh38, 1-based): chr17:43,095,897, T>C on the plus strand (A>G on the coding strand, the complement: BRCA1 is on the minus strand). VCF-style: chr17-43095897-T-C. GRCh37 (hg19) VCF-style: chr17-41247914-T-C.
Other names: c.406A>G, p.Ile136Val (NM_001407571.1, NM_001407853.1, NM_001407894.1 and 12 more transcripts); c.619A>G, p.Ile207Val (NM_001407581.1, NM_001407582.1, NM_001407583.1 and 59 more transcripts); c.616A>G, p.Ile206Val (NM_001407587.1, NM_001407590.1, NM_001407591.1 and 41 more transcripts); c.610A>G, p.Ile204Val (NM_001407646.1, NM_001407647.1, NM_001408408.1); c.541A>G, p.Ile181Val (NM_001407653.1, NM_001407654.1, NM_001407655.1 and 9 more transcripts); c.538A>G, p.Ile180Val (NM_001407659.1, NM_001407660.1, NM_001407661.1 and 3 more transcripts); c.478A>G, p.Ile160Val (NM_001407692.1, NM_001407694.1, NM_001407695.1 and 43 more transcripts); c.475A>G, p.Ile159Val (NM_001407740.1, NM_001407741.1, NM_001407742.1 and 26 more transcripts); and 4 more; short protein forms I160V, I207V, I162V, I79V, I204V, I136V, I159V, I181V.
Identifiers: ClinVar variation 856578 (VCV000856578.12), dbSNP rs2054115706, ClinGen allele CA10600865.
Genomic context (GRCh38, chr17:43,095,897, plus strand): 5'-TGCCATTACCCTTTTTTGCAGAATCCAAACTGATTTCATCCCTGGTTCCTTGAGGGGTGA[T>C]TTGTAACAATTCTTGATCTCCCACACTATAGGGAAAAGACAGAGTCCTAATAAGAAACAC-3'
Protein context (NP_009225.1, residues 197-217): CSVGDQELLQ[Ile207Val]TPQGTRDEIS

ClinVar aggregate classification (germline): Uncertain significance. Review status: criteria provided, multiple submitters, no conflicts (2 of 4 stars). 2 submissions from 2 submitters: Uncertain significance (2). Last evaluated 2024-02-07.

Conditions:
Hereditary cancer-predisposing syndrome. Also called: Tumor predisposition; Hereditary neoplastic syndrome; Neoplastic Syndromes, Hereditary; Hereditary Cancer Syndrome. Identifiers: Orphanet 140162, MedGen C0027672, MeSH D009386, MONDO:0015356.
Hereditary breast ovarian cancer syndrome. Also called: Breast and ovarian cancer; BRCA1- and BRCA2-Associated Hereditary Breast and Ovarian Cancer; Hereditary breast and ovarian cancer; Hereditary breast and ovarian cancer syndrome (HBOC); Hereditary breast and/or ovarian cancer syndrome; Hereditary breast and ovarian cancer syndrome. Identifiers: Orphanet 145, MedGen C0677776, MeSH D061325, MONDO:0003582. Disease mechanism: loss of function.

Allele frequency attached by ClinVar (database versions not stated): gnomAD exomes below 0.00001.
gnomAD v4.1: 1 of 1,613,710 alleles (0.000062%); highest among the groups gnomAD compares: East Asian, 0.0022%; no homozygotes.

Submissions (2):

Ambry Genetics
Classification: Uncertain significance for Hereditary cancer-predisposing syndrome. Last evaluated: 2024-02-07. Review status: criteria provided, single submitter. Criteria: Ambry Variant Classification Scheme 2023. Collection method: clinical testing. Allele origin: germline.
Comment: The p.I207V variant (also known as c.619A>G), located in coding exon 8 of the BRCA1 gene, results from an A to G substitution at nucleotide position 619. The isoleucine at codon 207 is replaced by valine, an amino acid with highly similar properties. This amino acid position is not well conserved in available vertebrate species. In addition, the in silico prediction for this alteration is inconclusive. Based on the available evidence, the clinical significance of this alteration remains unclear.

Labcorp Genetics (formerly Invitae), Labcorp
Classification: Uncertain significance for Hereditary breast ovarian cancer syndrome. Last evaluated: 2023-03-24. Review status: criteria provided, single submitter. Criteria: Invitae Variant Classification Sherloc (09022015). Collection method: clinical testing. Allele origin: germline.
Comment: This sequence change replaces isoleucine, which is neutral and non-polar, with valine, which is neutral and non-polar, at codon 207 of the BRCA1 protein (p.Ile207Val). This variant is not present in population databases (gnomAD no frequency). This variant has not been reported in the literature in individuals affected with BRCA1-related conditions. ClinVar contains an entry for this variant (Variation ID: 856578). Advanced modeling of protein sequence and biophysical properties (such as structural, functional, and spatial information, amino acid conservation, physicochemical variation, residue mobility, and thermodynamic stability) performed at Invitae indicates that this missense variant is not expected to disrupt BRCA1 protein function. In summary, the available evidence is currently insufficient to determine the role of this variant in disease. Therefore, it has been classified as a Variant of Uncertain Significance.